The following is an entry in ClinVar:

NM_000051.4(ATM):c.2251-4A>G

Gene: ATM (ATM serine/threonine kinase; plus strand). Cytogenetic location: 11q22.3.
Variant type: single nucleotide variant.
Coding change: c.2251-4A>G on transcript NM_000051.4 (MANE Select); 4 bases into the intron before coding-DNA position 2251, A replaced by G.
Molecular consequence: intron variant.
Genome position (GRCh38, 1-based): chr11:108,257,477, A>G. VCF-style: chr11-108257477-A-G. GRCh37 (hg19) VCF-style: chr11-108128204-A-G.
Other names: c.2251-4A>G (NM_001351834.2).
Identifiers: ClinVar variation 186418 (VCV000186418.30), dbSNP rs786202935, ClinGen allele CA194765.
Genomic context (GRCh38, chr11:108,257,477, plus strand): 5'-GTAAAAAGCAATACTAAACTATAATTTTAACTGGAATTTGCATTTTTCCTTCTATTCACA[A>G]TAGTCTCTAATGCAATGTGCAGGAGAAAGTATCACTCTGTTTAAAAATAAGACAAATGAG-3'

ClinVar aggregate classification (germline): Likely pathogenic. Review status: reviewed by expert panel (3 of 4 stars). 15 submissions from 15 submitters: Likely pathogenic (1). 14 of the submissions do not count toward it. Last evaluated 2026-08-04.

Conditions:
Familial cancer of breast. Also called: BREAST CANCER, FAMILIAL; Hereditary breast cancer; hereditary breast carcinoma. Identifiers: Orphanet 227535, MedGen C0346153, MONDO:0016419, OMIM 114480. Disease mechanism: loss of function.
ATM-related disorder. Also called: ATM-related disorders; ATM-related condition.
Breast-ovarian cancer, familial, susceptibility to, 1 (BROVCA1). Also called: OVARIAN CANCER, SUSCEPTIBILITY TO; BRCA1 Hereditary Breast and Ovarian Cancer. Identifiers: Orphanet 145, MedGen C2676676, MONDO:0011450, OMIM 604370. Disease mechanism: loss of function.
Ataxia-telangiectasia syndrome (AT). Also called: LOUIS-BAR SYNDROME; ATAXIA-TELANGIECTASIA, COMPLEMENTATION GROUP A; ATAXIA-TELANGIECTASIA, FRESNO VARIANT; Ataxia-telangiectasia; Ataxia-telangiectasia, complementation group E; Ataxia-telangiectasia, complementation group D. Identifiers: Orphanet 100, MedGen C0004135, MONDO:0008840, OMIM 208900.
ATM-related cancer predisposition. Also called: ATM-related cancer susceptibility. Identifiers: MedGen CN377759, MONDO:0700270.
Hereditary cancer-predisposing syndrome. Also called: Hereditary Cancer Syndrome; Hereditary neoplastic syndrome; Tumor predisposition; Neoplastic Syndromes, Hereditary. Identifiers: Orphanet 140162, MedGen C0027672, MeSH D009386, MONDO:0015356.

Allele frequency attached by ClinVar (database versions not stated): gnomAD exomes below 0.00001.
gnomAD v4.1: 3 of 1,612,730 alleles (0.00019%); highest among the groups gnomAD compares: Non-Finnish European, 0.00017%; no homozygotes.

Submissions 1 to 7 of 15:

ClinGen Hereditary Breast, Ovarian and Pancreatic Cancer Variant Curation Expert Panel, ClinGen
Classification: Likely pathogenic for ATM-related cancer predisposition. Last evaluated: 2026-08-04. Review status: reviewed by expert panel. Criteria: ClinGen HBOP ACMG Specifications ATM V1.5.0. Collection method: curation. Allele origin: germline. Inheritance: Autosomal dominant inheritance.
Comment: The c.2251-4A>G variant in ATM is an intronic variant which occurs within the splice acceptor region. The computational splicing predictor SpliceAI gives a score of 1.00 for acceptor gain, predicting that the variant disrupts the acceptor splice site ATM. It is predicted to cause partial intron retention, resulting in an in-frame inclusion resulting in a premature stop codon in a biologically-relevant-exon leading to nonsense mediated decay in a gene in which loss-of-function is an established disease mechanism. This prediction is confirmed by RNA analysis (PMID: 32748564). This variant has been detected in individual(s) with Ataxia-Telangiectasia (PMID: 31741144, 32748564). The highest continental population minor allele frequency in gnomAD v4.1.1 is 0.000001695 in European (non-Finnish) population, which is lower than the ClinGen HBOP threshold (<0.00001) for PM2_Supporting, meeting this criterion. In summary, this variant meets the criteria to be classified as likely pathogenic for autosomal dominant ATM-related cancer predisposition and autosomal recessive Ataxia-Telangiectasia based on the ACMG/AMP criteria applied, as specified by the HBOP VCEP. (PVS1[RNA]_ Supporting, PM3_Strong, PM2_Supporting)

Institute of Human Genetics, Heidelberg University
Classification: Likely pathogenic for Familial cancer of breast. Last evaluated: 2026-06-19. Review status: criteria provided, single submitter. Criteria: ACMG Guidelines, 2015. Collection method: clinical testing. Allele origin: unknown. Affected: no. Observed: 1 variant allele. Not counted in ClinVar's aggregate classification.
Comment: PVS1_RNA, PM2_supp

PreventionGenetics, part of Exact Sciences
Classification: Likely pathogenic for ATM-related condition. Last evaluated: 2026-04-13. Review status: criteria provided, single submitter. Criteria: ACMG Guidelines, 2015. Collection method: clinical testing. Allele origin: germline. Not counted in ClinVar's aggregate classification.
Comment: The ATM c.2251-4A>G variant is predicted to interfere with splicing. This variant has been reported with a second ATM variant in several individuals with features of ataxia-telangiectasia (Reported as IVS14-4A>G in Mutlu-Albayrak et al. 2019. PubMed ID: 31741144; Asadollahi et al. 2020. PubMed ID: 32748564; Karaaslan et al. 2025. PubMed ID:39967281). In one reported family, the variant was observed in the compound heterozygous state in one sibling with late onset ataxia and two sisters with early onset breast cancer (Asadollahi et al. 2020. PubMed ID: 32748564). RNA studies demonstrated that this variant leads to abnormal RNA splicing (Asadollahi et al 2020. PubMed ID: 32748564). This variant has also been reported in the heterozygous state in individuals with a personal or family history of ATM-related cancers (Supp. Table 5. Tsaousis et al. 2019. PubMed ID: 31159747; Table S6, Akcay et al. 2020. PubMed ID: 32658311). This variant has not been reported in a large population database, indicating this variant is rare. This variant has be interpreted as likely pathogenic/pathogenic in ClinVar (ClinVar ID: 186418). Based on the available evidence, this variant is interpreted as likely pathogenic for both autosomal dominant and autosomal recessive ATM-related conditions.

Labcorp Genetics (formerly Invitae), Labcorp
Classification: Pathogenic for Ataxia-telangiectasia syndrome. Last evaluated: 2026-01-31. Review status: criteria provided, single submitter. Criteria: Invitae Variant Classification Sherloc (09022015). Collection method: clinical testing. Allele origin: germline. Not counted in ClinVar's aggregate classification.
Comment: This sequence change falls in intron 14 of the ATM gene. It does not directly change the encoded amino acid sequence of the ATM protein. RNA analysis indicates that this variant induces altered splicing and may result in an absent or altered protein product. This variant is not present in population databases (gnomAD no frequency). This variant has been observed in individuals with ataxia-telangiectasia, breast cancer, and in individual(s) undergoing genetic testing for hereditary cancer (PMID: 31159747, 31741144, 32748564). This variant is also known as IVS14-4A>G. ClinVar contains an entry for this variant (Variation ID: 186418). Studies have shown that this variant results in gain of a de novo splice site, and produces a non-functional protein and/or introduces a premature termination codon (PMID: 32748564; internal data). For these reasons, this variant has been classified as Pathogenic.

Institute of Immunology and Genetics Kaiserslautern
Classification: Pathogenic for Breast-ovarian cancer, familial, susceptibility to, 1. Last evaluated: 2025-07-31. Review status: criteria provided, single submitter. Criteria: ACMG Guidelines, 2015. Collection method: clinical testing. Allele origin: germline. Affected: yes. Not counted in ClinVar's aggregate classification.
Comment: ACMG Criteria: PS3, PM2_P, PM3, PP1, PP3, PP4, PP5.

Ambry Genetics
Classification: Likely pathogenic for Hereditary cancer-predisposing syndrome. Last evaluated: 2025-02-23. Review status: criteria provided, single submitter. Criteria: Ambry Variant Classification Scheme 2023. Collection method: clinical testing. Allele origin: germline. Not counted in ClinVar's aggregate classification.
Comment: The c.2251-4A>G intronic variant results from an A to G substitution 4 nucleotides upstream from coding exon 14 in the ATM gene. This variant has been reported in conjunction with a pathogenic finding in this same gene (confirmed in trans) in three siblings with features of variant ataxia-telangiectasia (AT) including head dystonia, mild dysarthria, late onset ataxia, and breast cancer before age 40 (Asadollahi R et al. Mol Genet Genomic Med, 2020 10;8:e1409). This alteration, designated as IVS14-4A>G, has also been reported in conjunction with a second ATM alteration in a patient with classical AT phenotype (Mutlu-Albayrak H et al. Neurogenetics, 2020 Jan;21:59-66). This nucleotide position is highly conserved in available vertebrate species. In silico splice site analysis predicts that this alteration will result in the creation or strengthening of a novel splice acceptor site. RNA studies have demonstrated that this alteration results in abnormal splicing in the set of samples tested (Ambry internal data, Asadollahi R et al. Mol Genet Genomic Med, 2020 10;8:e1409). This variant is considered to be rare based on population cohorts in the Genome Aggregation Database (gnomAD). Based on the majority of available evidence to date, this variant is likely to be pathogenic.

Quest Diagnostics Nichols Institute San Juan Capistrano
Classification: Likely pathogenic. Last evaluated: 2025-01-16. Review status: criteria provided, single submitter. Criteria: Quest Diagnostics criteria. Collection method: clinical testing. Allele origin: unknown. Not counted in ClinVar's aggregate classification.
Comment: The ATM c.2251-4A>G variant has been reported in the published literature in individuals with a personal or family history of breast cancer (PMIDS: 31159747 (2019) and 32658311 (2021)). It has also been described in individuals with ataxia-telangiectasia (PMID: 31741144 (2020)), as well as in an individual with both breast cancer and ataxia-telangiectasia (PMID: 32748564 (2020)). A functional study demonstrated that this variant is damaging to protein function (PMID: 32748564 (2020)). This variant has not been reported in large, multi-ethnic general populations (Genome Aggregation Database). Analysis of this variant using software algorithms for the prediction of the effect of nucleotide changes on ATM mRNA splicing yielded predictions that this variant may result in the gain of a cryptic splice site and affect proper ATM mRNA splicing. Based on the available information, this variant is classified as likely pathogenic.